The following is an entry in ClinVar:

ClinVar aggregate classification (germline): Uncertain significance. Review status: criteria provided, multiple submitters, no conflicts (2 of 4 stars). 2 submissions from 2 submitters: Uncertain significance (2). Last evaluated 2024-09-04.

Conditions:
Ullrich congenital muscular dystrophy 2 (UCMD2). Identifiers: Orphanet 75840, MedGen C4225314, MONDO:0014654, OMIM 616470.
Bethlem myopathy 2 (BTHLM2). Identifiers: Orphanet 536516, Orphanet 610, MedGen C4225313, MONDO:0034022, OMIM 616471.

Allele frequency attached by ClinVar (database versions not stated): gnomAD 0.00001; TOPMed 0.00002.
gnomAD v4.1: 1 of 1,613,630 alleles (0.000062%); no homozygotes.

Submissions (2):

Labcorp Genetics (formerly Invitae), Labcorp
Classification: Uncertain significance for Bethlem myopathy 2; Ullrich congenital muscular dystrophy 2. Last evaluated: 2024-09-04. Review status: criteria provided, single submitter. Criteria: Invitae Variant Classification Sherloc (09022015). Collection method: clinical testing. Allele origin: germline.
Comment: This sequence change replaces tryptophan, which is neutral and slightly polar, with glycine, which is neutral and non-polar, at codon 1251 of the COL12A1 protein (p.Trp1251Gly). This variant is not present in population databases (gnomAD no frequency). This variant has not been reported in the literature in individuals affected with COL12A1-related conditions. ClinVar contains an entry for this variant (Variation ID: 1696909). Invitae Evidence Modeling of protein sequence and biophysical properties (such as structural, functional, and spatial information, amino acid conservation, physicochemical variation, residue mobility, and thermodynamic stability) has been performed for this missense variant. However, the output from this modeling did not meet the statistical confidence thresholds required to predict the impact of this variant on COL12A1 protein function. In summary, the available evidence is currently insufficient to determine the role of this variant in disease. Therefore, it has been classified as a Variant of Uncertain Significance.

GeneDx
Classification: Uncertain significance. Last evaluated: 2022-01-18. Review status: criteria provided, single submitter. Criteria: GeneDx Variant Classification Process June 2021. Collection method: clinical testing. Allele origin: germline. Affected: yes.
Comment: Has not been previously published as pathogenic or benign to our knowledge; Not observed at significant frequency in large population cohorts (gnomAD); In silico analysis supports that this missense variant has a deleterious effect on protein structure/function

NM_004370.6(COL12A1):c.3751T>G (p.Trp1251Gly)

Gene: COL12A1 (collagen type XII alpha 1 chain; minus strand). Cytogenetic location: 6q13.
Variant type: single nucleotide variant.
Coding change: c.3751T>G on transcript NM_004370.6 (MANE Select); coding-DNA position 3751, T replaced by G.
Protein change: p.Trp1251Gly; replaces tryptophan 1251 with glycine.
Molecular consequence: missense variant.
Genome position (GRCh38, 1-based): chr6:75,152,215, A>C on the plus strand (T>G on the coding strand, the complement: COL12A1 is on the minus strand). VCF-style: chr6-75152215-A-C. GRCh37 (hg19) VCF-style: chr6-75861931-A-C.
Other names: c.259T>G, p.Trp87Gly (NM_080645.3); short protein forms W1251G, W87G.
Identifiers: ClinVar variation 1696909 (VCV001696909.4), dbSNP rs1767529569, ClinGen allele CA364749504.